The following is an entry in ClinVar:

ClinVar aggregate classification (germline): Uncertain significance (1 of 4 stars; one submission).

Submission:

Labcorp Genetics (formerly Invitae), Labcorp
Classification: Uncertain significance. Last evaluated: 2023-12-09. Review status: criteria provided, single submitter. Criteria: Invitae Variant Classification Sherloc (09022015). Collection method: clinical testing. Allele origin: germline.
Comment: This sequence change replaces arginine, which is basic and polar, with glycine, which is neutral and non-polar, at codon 86 of the YWHAG protein (p.Arg86Gly). This variant is not present in population databases (gnomAD no frequency). This variant has not been reported in the literature in individuals affected with YWHAG-related conditions. Advanced modeling of protein sequence and biophysical properties (such as structural, functional, and spatial information, amino acid conservation, physicochemical variation, residue mobility, and thermodynamic stability) performed at Invitae indicates that this missense variant is expected to disrupt YWHAG protein function with a positive predictive value of 80%. In summary, the available evidence is currently insufficient to determine the role of this variant in disease. Therefore, it has been classified as a Variant of Uncertain Significance.

NM_012479.4(YWHAG):c.256C>G (p.Arg86Gly)

Gene: YWHAG (tyrosine 3-monooxygenase/tryptophan 5-monooxygenase activation protein gamma; minus strand). Cytogenetic location: 7q11.23.
Variant type: single nucleotide variant.
Coding change: c.256C>G on transcript NM_012479.4 (MANE Select); coding-DNA position 256, C replaced by G.
Protein change: p.Arg86Gly; replaces arginine 86 with glycine.
Molecular consequence: missense variant.
Genome position (GRCh38, 1-based): chr7:76,330,065, G>C on the plus strand (C>G on the coding strand, the complement: YWHAG is on the minus strand). VCF-style: chr7-76330065-G-C. GRCh37 (hg19) VCF-style: chr7-75959382-G-C.
Other names: short protein forms R86G.
Identifiers: ClinVar variation 2701738 (VCV002701738.3), dbSNP rs1563661628, ClinGen allele CA367777798.